The following is an entry in ClinVar:

NM_182706.5(SCRIB):c.4443C>T (p.Pro1481=)

Gene: SCRIB (scribble planar cell polarity protein; minus strand). Cytogenetic location: 8q24.3.
Variant type: single nucleotide variant.
Coding change: c.4443C>T on transcript NM_182706.5 (MANE Select); coding-DNA position 4443, C replaced by T.
Protein change: p.Pro1481=; no amino-acid change (proline 1481 retained).
Molecular consequence: synonymous variant.
Genome position (GRCh38, 1-based): chr8:143,792,291, G>A on the plus strand (C>T on the coding strand, the complement: SCRIB is on the minus strand). VCF-style: chr8-143792291-G-A. GRCh37 (hg19) VCF-style: chr8-144874461-G-A.
Other names: c.4443C>T, p.Pro1481= (NM_015356.5).
Identifiers: ClinVar variation 2658909 (VCV002658909.24), dbSNP rs1554632983, ClinGen allele CA463521189.

ClinVar aggregate classification (germline): Likely benign (1 of 4 stars; one submission).

gnomAD v4.1: 17 of 1,562,476 alleles (0.0011%); highest among the groups gnomAD compares: East Asian, 0.0023%; 1 homozygote.

Submission:

CeGaT Center for Human Genetics Tuebingen
Classification: Likely benign. Last evaluated: 2023-02-01. Review status: criteria provided, single submitter. Criteria: CeGaT Center For Human Genetics Tuebingen Variant Classification Criteria Version 2. Collection method: clinical testing. Allele origin: germline. Affected: yes. Observed: 1 variant allele.
Comment: SCRIB: BP4, BP7